The following is an entry in ClinVar:

ClinVar aggregate classification (germline): Uncertain significance (1 of 4 stars; one submission).

gnomAD v4.1: 1 of 1,613,876 alleles (0.000062%); no homozygotes.

Submission:

Labcorp Genetics (formerly Invitae), Labcorp
Classification: Uncertain significance. Last evaluated: 2022-05-17. Review status: criteria provided, single submitter. Criteria: Invitae Variant Classification Sherloc (09022015). Collection method: clinical testing. Allele origin: germline.
Comment: This sequence change replaces methionine, which is neutral and non-polar, with isoleucine, which is neutral and non-polar, at codon 784 of the EXOC6B protein (p.Met784Ile). This variant is not present in population databases (gnomAD no frequency). This variant has not been reported in the literature in individuals affected with EXOC6B-related conditions. Experimental studies and prediction algorithms are not available or were not evaluated, and the functional significance of this variant is currently unknown. In summary, the available evidence is currently insufficient to determine the role of this variant in disease. Therefore, it has been classified as a Variant of Uncertain Significance.

NM_015189.3(EXOC6B):c.2340G>A (p.Met780Ile)

Gene: EXOC6B (exocyst complex component 6B; minus strand). Cytogenetic location: 2p13.2.
Variant type: single nucleotide variant.
Coding change: c.2340G>A on transcript NM_015189.3 (MANE Select); coding-DNA position 2340, G replaced by A.
Protein change: p.Met780Ile; replaces methionine 780 with isoleucine.
Molecular consequence: missense variant. On other transcripts: 3 prime UTR variant (1), non-coding transcript variant (2).
Genome position (GRCh38, 1-based): chr2:72,179,431, C>T on the plus strand (G>A on the coding strand, the complement: EXOC6B is on the minus strand). VCF-style: chr2-72179431-C-T. GRCh37 (hg19) VCF-style: chr2-72406560-C-T.
Other names: c.2352G>A, p.Met784Ile (NM_001321729.2); c.2217G>A, p.Met739Ile (NM_001321730.2); c.*68G>A (NM_001321731.2); c.2205G>A, p.Met735Ile (NM_001321733.2); c.2013G>A, p.Met671Ile (NM_001321734.2); short protein forms M780I, M671I, M735I, M784I, M739I.
Identifiers: ClinVar variation 2186099 (VCV002186099.4), dbSNP rs1677947977, ClinGen allele CA347223103.
Genomic context (GRCh38, chr2:72,179,431, plus strand): 5'-CTTGGCCACGGTGTCAATGAGTTTCTGCTTGTCTCGCTCATTTTTCCGAAACTGTGCAAA[C>T]ATGTTGTTCTTGCGGCTAGTATCCTTCATCCTAAACAGAGAAGGAAAGAAAGAGGGCAAC-3'
Protein context (NP_056004.1, residues 770-790): KMKDTSRKNN[Met780Ile]FAQFRKNERD